The following is an entry in ClinVar:

NM_001010898.4(SLC6A17):c.1743T>C (p.Ala581=)

Gene: SLC6A17 (solute carrier family 6 member 17; plus strand). Cytogenetic location: 1p13.3.
Variant type: single nucleotide variant.
Coding change: c.1743T>C on transcript NM_001010898.4 (MANE Select); coding-DNA position 1743, T replaced by C.
Protein change: p.Ala581=; no amino-acid change (alanine 581 retained).
Molecular consequence: synonymous variant.
Genome position (GRCh38, 1-based): chr1:110,197,527, T>C. VCF-style: chr1-110197527-T-C. GRCh37 (hg19) VCF-style: chr1-110740149-T-C.
Identifiers: ClinVar variation 3025564 (VCV003025564.22), dbSNP rs148807275, ClinGen allele CA998250.

ClinVar aggregate classification (germline): Likely benign (1 of 4 stars; one submission).

Allele frequency attached by ClinVar (database versions not stated): ExAC 0.00002; gnomAD exomes 0.00007; ESP Exome Variant Server 0.00015.
gnomAD v4.1: 117 of 1,613,512 alleles (0.0073%); highest among the groups gnomAD compares: Admixed American, 0.023%; no homozygotes.

Submission:

CeGaT Center for Human Genetics Tuebingen
Classification: Likely benign. Last evaluated: 2024-02-01. Review status: criteria provided, single submitter. Criteria: CeGaT Center For Human Genetics Tuebingen Variant Classification Criteria Version 2. Collection method: clinical testing. Allele origin: germline. Affected: yes. Observed: 1 variant allele.
Comment: SLC6A17: BP4, BP7